The following is an entry in ClinVar:

NM_020207.7(ERCC6L2):c.387A>T (p.Glu129Asp)

Gene: ERCC6L2 (ERCC excision repair 6 like 2; plus strand). Cytogenetic location: 9q22.32.
Variant type: single nucleotide variant.
Coding change: c.387A>T on transcript NM_020207.7 (MANE Select); coding-DNA position 387, A replaced by T.
Protein change: p.Glu129Asp; replaces glutamic acid 129 with aspartic acid.
Molecular consequence: missense variant. On other transcripts: non-coding transcript variant (1).
Genome position (GRCh38, 1-based): chr9:95,881,209, A>T. VCF-style: chr9-95881209-A-T. GRCh37 (hg19) VCF-style: chr9-98643491-A-T.
Other names: c.387A>T, p.Glu129Asp (NM_001010895.4, NM_001375291.1, NM_001375292.1 and 2 more transcripts); short protein forms E129D.
Identifiers: ClinVar variation 1933763 (VCV001933763.6), dbSNP rs370249357, ClinGen allele CA196549913.

ClinVar aggregate classification (germline): Uncertain significance. Review status: criteria provided, multiple submitters, no conflicts (2 of 4 stars). 2 submissions from 2 submitters: Uncertain significance (2). Last evaluated 2025-07-30.

Conditions:
Inborn genetic diseases. Identifiers: MedGen C0950123, MeSH D030342.

Allele frequency attached by ClinVar (database versions not stated): gnomAD 0.00001; TOPMed 0.00001; ESP Exome Variant Server 0.00008.
gnomAD v4.1: 8 of 1,607,360 alleles (0.0005%); highest among the groups gnomAD compares: Non-Finnish European, 0.00059%; no homozygotes.

Submissions (2):

Labcorp Genetics (formerly Invitae), Labcorp
Classification: Uncertain significance. Last evaluated: 2025-07-30. Review status: criteria provided, single submitter. Criteria: Invitae Variant Classification Sherloc (09022015). Collection method: clinical testing. Allele origin: germline.
Comment: This sequence change replaces glutamic acid, which is acidic and polar, with aspartic acid, which is acidic and polar, at codon 140 of the ERCC6L2 protein (p.Glu140Asp). This variant is present in population databases (rs370249357, gnomAD 0.0009%). This variant has not been reported in the literature in individuals affected with ERCC6L2-related conditions. ClinVar contains an entry for this variant (Variation ID: 1933763). Experimental studies and prediction algorithms are not available or were not evaluated, and the functional significance of this variant is currently unknown. In summary, the available evidence is currently insufficient to determine the role of this variant in disease. Therefore, it has been classified as a Variant of Uncertain Significance.

Ambry Genetics
Classification: Uncertain significance for Inborn genetic diseases. Last evaluated: 2025-02-10. Review status: criteria provided, single submitter. Criteria: Ambry Variant Classification Scheme 2023. Collection method: clinical testing. Allele origin: germline.
Comment: The p.E129D variant (also known as c.387A>T), located in coding exon 2 of the ERCC6L2 gene, results from an A to T substitution at nucleotide position 387. The glutamic acid at codon 129 is replaced by aspartic acid, an amino acid with highly similar properties. This amino acid position is conserved. In addition, this alteration is predicted to be tolerated by in silico analysis. Based on the available evidence, the clinical significance of this variant remains unclear.